The following is an entry in ClinVar:

ClinVar aggregate classification (germline): Uncertain significance (1 of 4 stars; one submission).

Submission:

Labcorp Genetics (formerly Invitae), Labcorp
Classification: Uncertain significance. Last evaluated: 2022-01-17. Review status: criteria provided, single submitter. Criteria: Invitae Variant Classification Sherloc (09022015). Collection method: clinical testing. Allele origin: germline.
Comment: In summary, the available evidence is currently insufficient to determine the role of this variant in disease. Therefore, it has been classified as a Variant of Uncertain Significance. Advanced modeling of protein sequence and biophysical properties (such as structural, functional, and spatial information, amino acid conservation, physicochemical variation, residue mobility, and thermodynamic stability) performed at Invitae indicates that this missense variant is expected to disrupt KMT2A protein function. This variant has not been reported in the literature in individuals affected with KMT2A-related conditions. This variant is not present in population databases (gnomAD no frequency). This sequence change replaces arginine, which is basic and polar, with serine, which is neutral and polar, at codon 644 of the KMT2A protein (p.Arg644Ser).

NM_001197104.2(KMT2A):c.1930C>A (p.Arg644Ser)

Gene: KMT2A (lysine methyltransferase 2A; plus strand). Cytogenetic location: 11q23.3.
Variant type: single nucleotide variant.
Coding change: c.1930C>A on transcript NM_001197104.2 (MANE Select); coding-DNA position 1930, C replaced by A.
Protein change: p.Arg644Ser; replaces arginine 644 with serine.
Molecular consequence: missense variant.
Genome position (GRCh38, 1-based): chr11:118,473,089, C>A. VCF-style: chr11-118473089-C-A. GRCh37 (hg19) VCF-style: chr11-118343804-C-A.
Other names: c.1930C>A, p.Arg644Ser (NM_005933.4); short protein forms R644S.
Identifiers: ClinVar variation 1363198 (VCV001363198.6), dbSNP rs868981857, ClinGen allele CA382811744.